The following is an entry in ClinVar:

NM_001372.4(DNAH9):c.679C>G (p.Gln227Glu)

Gene: DNAH9 (dynein axonemal heavy chain 9; plus strand). Cytogenetic location: 17p12.
Variant type: single nucleotide variant.
Coding change: c.679C>G on transcript NM_001372.4 (MANE Select); coding-DNA position 679, C replaced by G.
Protein change: p.Gln227Glu; replaces glutamine 227 with glutamic acid.
Molecular consequence: missense variant.
Genome position (GRCh38, 1-based): chr17:11,610,460, C>G. VCF-style: chr17-11610460-C-G. GRCh37 (hg19) VCF-style: chr17-11513777-C-G.
Other names: short protein forms Q227E.
Identifiers: ClinVar variation 2636066 (VCV002636066.2), dbSNP rs755755899, ClinGen allele CA8394621.

ClinVar aggregate classification (germline): Uncertain significance. Review status: criteria provided, multiple submitters, no conflicts (2 of 4 stars). 2 submissions from 2 submitters: Uncertain significance (2). Last evaluated 2023-08-15.

Conditions:
Inborn genetic diseases. Identifiers: MedGen C0950123, MeSH D030342.
DNAH9-related disorder. Also called: DNAH9-related condition.

Allele frequency attached by ClinVar (database versions not stated): ExAC 0.00003; gnomAD 0.00003.
gnomAD v4.1: 106 of 1,613,428 alleles (0.0066%); highest among the groups gnomAD compares: Non-Finnish European, 0.0046%; no homozygotes.

Submissions (2):

PreventionGenetics, part of Exact Sciences
Classification: Uncertain significance for DNAH9-related condition. Last evaluated: 2023-08-15. Review status: criteria provided, single submitter. Criteria: ACMG Guidelines, 2015. Collection method: clinical testing. Allele origin: germline.
Comment: The DNAH9 c.679C>G variant is predicted to result in the amino acid substitution p.Gln227Glu. To our knowledge, this variant has not been reported in the literature. This variant is reported in 0.15% of alleles in individuals of Ashkenazi Jewish descent in gnomAD. At this time, the clinical significance of this variant is uncertain due to the absence of conclusive functional and genetic evidence.

Ambry Genetics
Classification: Uncertain significance for Inborn genetic diseases. Last evaluated: 2021-08-12. Review status: criteria provided, single submitter. Criteria: Ambry Variant Classification Scheme 2023. Collection method: clinical testing. Allele origin: germline.